The following is an entry in ClinVar:

NM_001035.3(RYR2):c.11725G>A (p.Ala3909Thr)

Gene: RYR2 (ryanodine receptor 2; plus strand). Cytogenetic location: 1q43.
Variant type: single nucleotide variant.
Coding change: c.11725G>A on transcript NM_001035.3 (MANE Select); coding-DNA position 11725, G replaced by A.
Protein change: p.Ala3909Thr; replaces alanine 3909 with threonine.
Molecular consequence: missense variant.
Genome position (GRCh38, 1-based): chr1:237,773,598, G>A. VCF-style: chr1-237773598-G-A. GRCh37 (hg19) VCF-style: chr1-237936898-G-A.
Other names: c.11725G>A (NM_001035.2); short protein forms A3909T.
Identifiers: ClinVar variation 2983309 (VCV002983309.5), dbSNP rs2527632059, ClinGen allele CA345407882.

ClinVar aggregate classification (germline): Uncertain significance. Review status: criteria provided, multiple submitters, no conflicts (2 of 4 stars). 3 submissions from 3 submitters: Uncertain significance (3). Last evaluated 2025-07-30.

Conditions:
Catecholaminergic polymorphic ventricular tachycardia (CVPT). Also called: Catecholamine-induced polymorphic ventricular tachycardia. Identifiers: Orphanet 3286, MedGen C5574922, MONDO:0017990.
Catecholaminergic polymorphic ventricular tachycardia 1. Also called: VENTRICULAR TACHYCARDIA, CATECHOLAMINERGIC POLYMORPHIC, 1, WITH OR WITHOUT ATRIAL DYSFUNCTION AND/OR DILATED CARDIOMYOPATHY; RYR2-Related Catecholaminergic Polymorphic Ventricular Tachycardia; VENTRICULAR TACHYCARDIA, STRESS-INDUCED POLYMORPHIC 1. Identifiers: Orphanet 3286, MedGen C1631597, MONDO:0011484, OMIM 604772.
Cardiovascular phenotype. Identifiers: MedGen CN230736.

Submissions (3):

Ambry Genetics
Classification: Uncertain significance for Cardiovascular phenotype. Last evaluated: 2025-07-30. Review status: criteria provided, single submitter. Criteria: Ambry Variant Classification Scheme 2023. Collection method: clinical testing. Allele origin: germline.
Comment: The p.A3909T variant (also known as c.11725G>A), located in coding exon 87 of the RYR2 gene, results from a G to A substitution at nucleotide position 11725. The alanine at codon 3909 is replaced by threonine, an amino acid with similar properties. This amino acid position is highly conserved in available vertebrate species. In addition, this alteration is predicted to be deleterious by in silico analysis. Based on the available evidence, the clinical significance of this variant remains unclear.

All of Us Research Program, National Institutes of Health
Classification: Uncertain significance for Catecholaminergic polymorphic ventricular tachycardia. Last evaluated: 2023-06-28. Review status: criteria provided, single submitter. Criteria: ACMG Guidelines, 2015. Collection method: clinical testing. Allele origin: germline. Inheritance: Autosomal dominant inheritance. Observed: 1 variant allele, 1 heterozygote.
Comment: This study involves interpretation of variants in research participants for the purpose of population health screening. Participant phenotype was not available at the time of variant classification. Additional details can be found in publication PMID: 35346344, PMCID: PMC8962531

Labcorp Genetics (formerly Invitae), Labcorp
Classification: Uncertain significance for Catecholaminergic polymorphic ventricular tachycardia 1. Last evaluated: 2023-01-23. Review status: criteria provided, single submitter. Criteria: Invitae Variant Classification Sherloc (09022015). Collection method: clinical testing. Allele origin: germline.
Comment: In summary, the available evidence is currently insufficient to determine the role of this variant in disease. Therefore, it has been classified as a Variant of Uncertain Significance. Advanced modeling of protein sequence and biophysical properties (such as structural, functional, and spatial information, amino acid conservation, physicochemical variation, residue mobility, and thermodynamic stability) performed at Invitae indicates that this missense variant is expected to disrupt RYR2 protein function. This missense change has been observed in individual(s) with sudden unexplained death (PMID: 18285261). This variant is not present in population databases (gnomAD no frequency). This sequence change replaces alanine, which is neutral and non-polar, with threonine, which is neutral and polar, at codon 3909 of the RYR2 protein (p.Ala3909Thr).

Literature cited by the submitters: PubMed 18285261 (cited by Labcorp Genetics (formerly Invitae), Labcorp).